The following is an entry in ClinVar:

ClinVar aggregate classification (germline): Uncertain significance (1 of 4 stars; one submission).

Conditions:
Telangiectasia, hereditary hemorrhagic, type 2 (HHT2). Also called: Telangiectasia, hereditary hemorrhagic, type II; ACVRL1-Related Hereditary Hemorrhagic Telangiectasia. Identifiers: Orphanet 774, MedGen C1838163, MONDO:0010880, OMIM 600376. Disease mechanism: loss of function.

Submission:

Labcorp Genetics (formerly Invitae), Labcorp
Classification: Uncertain significance for Telangiectasia, hereditary hemorrhagic, type 2. Last evaluated: 2023-04-16. Review status: criteria provided, single submitter. Criteria: Invitae Variant Classification Sherloc (09022015). Collection method: clinical testing. Allele origin: germline.
Comment: Advanced modeling of protein sequence and biophysical properties (such as structural, functional, and spatial information, amino acid conservation, physicochemical variation, residue mobility, and thermodynamic stability) performed at Invitae indicates that this missense variant is expected to disrupt ACVRL1 protein function. This missense change has been observed in individual(s) with clinical features of hereditary hemorrhagic telangiectasia (Invitae). This variant is not present in population databases (gnomAD no frequency). This sequence change replaces methionine, which is neutral and non-polar, with arginine, which is basic and polar, at codon 468 of the ACVRL1 protein (p.Met468Arg). In summary, the available evidence is currently insufficient to determine the role of this variant in disease. Therefore, it has been classified as a Variant of Uncertain Significance.

NM_000020.3(ACVRL1):c.1403T>G (p.Met468Arg)

Gene: ACVRL1 (activin A receptor like type 1; plus strand). Cytogenetic location: 12q13.13.
Variant type: single nucleotide variant.
Coding change: c.1403T>G on transcript NM_000020.3 (MANE Select); coding-DNA position 1403, T replaced by G.
Protein change: p.Met468Arg; replaces methionine 468 with arginine.
Molecular consequence: missense variant.
Genome position (GRCh38, 1-based): chr12:51,920,784, T>G. VCF-style: chr12-51920784-T-G. GRCh37 (hg19) VCF-style: chr12-52314568-T-G.
Other names: c.1403T>G, p.Met468Arg (NM_001077401.2, NM_001406487.1); c.1247T>G, p.Met416Arg (NM_001406490.1); c.1091T>G, p.Met364Arg (NM_001406491.1, NM_001406492.1); c.893T>G, p.Met298Arg (NM_001406494.1); c.839T>G, p.Met280Arg (NM_001406495.1); short protein forms M468R, M298R, M280R, M364R, M416R.
Identifiers: ClinVar variation 2837341 (VCV002837341.3), dbSNP rs2540174475, ClinGen allele CA384905396.